The following is an entry in ClinVar:

ClinVar aggregate classification (germline): Likely benign. Review status: criteria provided, multiple submitters, no conflicts (2 of 4 stars). 2 submissions from 2 submitters: Likely benign (2). Last evaluated 2025-06-01.

Submissions (2):

CeGaT Center for Human Genetics Tuebingen
Classification: Likely benign. Last evaluated: 2025-06-01. Review status: criteria provided, single submitter. Criteria: CeGaT Center For Human Genetics Tuebingen Variant Classification Criteria Version 2. Collection method: clinical testing. Allele origin: germline. Affected: yes. Observed: 1 variant allele.
Comment: NCF1: BP4, BP7

Blueprint Genetics
Classification: Likely benign. Last evaluated: 2024-06-12. Review status: criteria provided, single submitter. Criteria: ACMG Guidelines, 2015. Collection method: clinical testing. Allele origin: germline.

NM_000265.7(NCF1):c.459C>T (p.Thr153=)

Genes: NCF1 (neutrophil cytosolic factor 1; plus strand), LOC106029312 (Williams-Beuren syndrome medial block B recombination region; plus strand). Cytogenetic location: 7q11.23.
Variant type: single nucleotide variant.
Coding change: c.459C>T on transcript NM_000265.7 (MANE Select); coding-DNA position 459, C replaced by T.
Protein change: p.Thr153=; no amino-acid change (threonine 153 retained).
Molecular consequence: synonymous variant.
Genome position (GRCh38, 1-based): chr7:74,782,946, C>T. VCF-style: chr7-74782946-C-T. GRCh37 (hg19) VCF-style: chr7-74197289-C-T.
Identifiers: ClinVar variation 3905191 (VCV003905191.11).
Genomic context (GRCh38, chr7:74,782,946, plus strand): 5'-GGCCCAGATGGGCCCTGCAATGCCCACTCACCCTGCCCTCCCTCTTGCCCCAGACATCAC[C>T]GGCCCCATCATCCTGCAGACGTACCGCGCCATTGCCAACTACGAGAAGACCTCGGGCTCC-3'
Protein context (NP_000256.4, residues 143-163): KDGKSTATDI[Thr153=]GPIILQTYRA